The following is an entry in ClinVar:

ClinVar aggregate classification (germline): Uncertain significance (1 of 4 stars; one submission).

Submission:

GeneDx
Classification: Uncertain significance. Last evaluated: 2026-04-23. Review status: criteria provided, single submitter. Criteria: GeneDx Variant Classification Process June 2021. Collection method: clinical testing. Allele origin: germline.
Comment: Not observed at significant frequency in large population cohorts (gnomAD); In silico analysis suggests that this missense variant does not alter protein structure/function; Has not been previously published as pathogenic or benign to our knowledge

NM_015100.4(POGZ):c.3773G>T (p.Ser1258Ile)

Gene: POGZ (pogo transposable element derived with ZNF domain; minus strand). Cytogenetic location: 1q21.3.
Variant type: single nucleotide variant.
Coding change: c.3773G>T on transcript NM_015100.4 (MANE Select); coding-DNA position 3773, G replaced by T.
Protein change: p.Ser1258Ile; replaces serine 1258 with isoleucine.
Molecular consequence: missense variant.
Genome position (GRCh38, 1-based): chr1:151,405,262, C>A on the plus strand (G>T on the coding strand, the complement: POGZ is on the minus strand). VCF-style: chr1-151405262-C-A. GRCh37 (hg19) VCF-style: chr1-151377738-C-A.
Other names: c.3746G>T, p.Ser1249Ile (NM_001194937.2); c.3587G>T, p.Ser1196Ile (NM_001194938.2); c.3794G>T, p.Ser1265Ile (NM_001410860.1); c.3488G>T, p.Ser1163Ile (NM_145796.4); c.3614G>T, p.Ser1205Ile (NM_207171.2); short protein forms S1163I, S1196I, S1205I, S1249I, S1258I, S1265I.
Identifiers: ClinVar variation 5037444 (VCV005037444.1).